The following is an entry in ClinVar:

NM_006648.4(WNK2):c.2381A>C (p.Gln794Pro)

Gene: WNK2 (WNK lysine deficient protein kinase 2; plus strand). Cytogenetic location: 9q22.31.
Variant type: single nucleotide variant.
Coding change: c.2381A>C on transcript NM_006648.4 (MANE Select); coding-DNA position 2381, A replaced by C.
Protein change: p.Gln794Pro; replaces glutamine 794 with proline.
Molecular consequence: missense variant.
Genome position (GRCh38, 1-based): chr9:93,257,138, A>C. VCF-style: chr9-93257138-A-C. GRCh37 (hg19) VCF-style: chr9-96019420-A-C.
Other names: c.2381A>C, p.Gln794Pro (NM_001282394.3); short protein forms Q794P.
Identifiers: ClinVar variation 4844914 (VCV004844914.1).

ClinVar aggregate classification (germline): Uncertain significance (1 of 4 stars; one submission).

Submission:

Ambry Genetics
Classification: Uncertain significance. Last evaluated: 2026-02-19. Review status: criteria provided, single submitter. Criteria: Ambry Variant Classification Scheme 2023. Collection method: clinical testing. Allele origin: germline.
Comment: The p.Q794P variant (also known as c.2381A>C), located in coding exon 10 of the WNK2 gene, results from an A to C substitution at nucleotide position 2381. The glutamine at codon 794 is replaced by proline, an amino acid with similar properties. This amino acid position is conserved. In addition, the in silico prediction for this alteration is inconclusive. Based on the available evidence, the clinical significance of this variant remains unclear.